The following is an entry in ClinVar:

NM_020708.5(SLC12A5):c.2296C>A (p.Leu766Met)

Gene: SLC12A5 (solute carrier family 12 member 5; plus strand). Cytogenetic location: 20q13.12.
Variant type: single nucleotide variant.
Coding change: c.2296C>A on transcript NM_020708.5 (MANE Select); coding-DNA position 2296, C replaced by A.
Protein change: p.Leu766Met; replaces leucine 766 with methionine.
Molecular consequence: missense variant.
Genome position (GRCh38, 1-based): chr20:46,051,789, C>A. VCF-style: chr20-46051789-C-A. GRCh37 (hg19) VCF-style: chr20-44680428-C-A.
Other names: c.2365C>A, p.Leu789Met (NM_001134771.2); c.2365C>A (NM_001134771.1); short protein forms L766M, L789M.
Identifiers: ClinVar variation 839126 (VCV000839126.6), dbSNP rs753106879, ClinGen allele CA9887568.

ClinVar aggregate classification (germline): Uncertain significance. Review status: criteria provided, multiple submitters, no conflicts (2 of 4 stars). 2 submissions from 2 submitters: Uncertain significance (2). Last evaluated 2023-09-20.

Conditions:
Developmental and epileptic encephalopathy, 34 (DEE34). Also called: Early infantile epileptic encephalopathy 34; SLC12A5-Related Epilepsy of Infancy with Migrating Focal Seizures. Identifiers: Orphanet 293181, MedGen C4225257, MONDO:0014718, OMIM 616645.

Allele frequency attached by ClinVar (database versions not stated): ExAC 0.00001; gnomAD 0.00001; gnomAD exomes 0.00001 and 0.00006; TOPMed 0.00002.
gnomAD v4.1: 87 of 1,607,886 alleles (0.0054%); highest among the groups gnomAD compares: Non-Finnish European, 0.0074%; no homozygotes.

Submissions (2):

Ambry Genetics
Classification: Uncertain significance. Last evaluated: 2023-09-20. Review status: criteria provided, single submitter. Criteria: Ambry Variant Classification Scheme 2023. Collection method: clinical testing. Allele origin: germline.

Labcorp Genetics (formerly Invitae), Labcorp
Classification: Uncertain significance for Developmental and epileptic encephalopathy, 34. Last evaluated: 2022-03-18. Review status: criteria provided, single submitter. Criteria: Invitae Variant Classification Sherloc (09022015). Collection method: clinical testing. Allele origin: germline.
Comment: This sequence change replaces leucine, which is neutral and non-polar, with methionine, which is neutral and non-polar, at codon 766 of the SLC12A5 protein (p.Leu766Met). This variant is present in population databases (rs753106879, gnomAD 0.002%). This variant has not been reported in the literature in individuals affected with SLC12A5-related conditions. ClinVar contains an entry for this variant (Variation ID: 839126). Advanced modeling of protein sequence and biophysical properties (such as structural, functional, and spatial information, amino acid conservation, physicochemical variation, residue mobility, and thermodynamic stability) performed at Invitae indicates that this missense variant is not expected to disrupt SLC12A5 protein function. In summary, the available evidence is currently insufficient to determine the role of this variant in disease. Therefore, it has been classified as a Variant of Uncertain Significance.